The following is an entry in ClinVar:

ClinVar aggregate classification (germline): Uncertain significance. Review status: criteria provided, multiple submitters, no conflicts (2 of 4 stars). 3 submissions from 3 submitters: Uncertain significance (3). Last evaluated 2025-06-12.

Conditions:
MAGEL2-related disorder. Also called: MAGEL2-related condition.

Submissions (3):

PreventionGenetics, part of Exact Sciences
Classification: Uncertain significance for MAGEL2-related condition. Last evaluated: 2025-06-12. Review status: criteria provided, single submitter. Criteria: ACMG Guidelines, 2015. Collection method: clinical testing. Allele origin: germline.
Comment: The MAGEL2 c.444_533del90 variant is predicted to result in an in-frame deletion (p.Ser150_Met179del). To our knowledge, this variant has not been reported in the literature. This variant is reported in 0.021% of alleles in individuals of Latino descent in gnomAD. At this time, the clinical significance of this variant is uncertain due to the absence of conclusive functional and genetic evidence.

GeneDx
Classification: Uncertain significance. Last evaluated: 2024-08-10. Review status: criteria provided, single submitter. Criteria: GeneDx Variant Classification Process June 2021. Collection method: clinical testing. Allele origin: germline. Affected: yes.
Comment: In-frame deletion of 30 amino acids in a non-repeat region; In silico analysis supports a deleterious effect on protein structure/function; Has not been previously published as pathogenic or benign to our knowledge; This variant is associated with the following publications: (PMID: 27535533)

Labcorp Genetics (formerly Invitae), Labcorp
Classification: Uncertain significance. Last evaluated: 2022-11-14. Review status: criteria provided, single submitter. Criteria: Invitae Variant Classification Sherloc (09022015). Collection method: clinical testing. Allele origin: germline.
Comment: This variant, c.444_533del, results in the deletion of 30 amino acid(s) of the MAGEL2 protein (p.Ser150_Met179del), but otherwise preserves the integrity of the reading frame. This variant is present in population databases (no rsID available, gnomAD 0.02%). This variant has not been reported in the literature in individuals affected with MAGEL2-related conditions. Experimental studies and prediction algorithms are not available or were not evaluated, and the functional significance of this variant is currently unknown. In summary, the available evidence is currently insufficient to determine the role of this variant in disease. Therefore, it has been classified as a Variant of Uncertain Significance.

NM_019066.5(MAGEL2):c.444_533del (p.Ser150_Met179del)

Gene: MAGEL2 (MAGE family member L2; minus strand). Cytogenetic location: 15q11.2.
Variant type: Deletion.
Coding change: c.444_533del on transcript NM_019066.5 (MANE Select); coding-DNA positions 444 to 533, 90 bases deleted.
Protein change: p.Ser150_Met179del.
Molecular consequence: inframe deletion.
Genome position (GRCh38, 1-based): chr15:23,647,210-23,647,299, 90 bases deleted. GRCh37 (hg19): chr15:23,892,386-23,892,475.
Other names: c.444_533del90 (NM_019066.4); c.444_533del (NM_019066.4).
Identifiers: ClinVar variation 1948978 (VCV001948978.8), dbSNP rs1566785347, ClinGen allele CA617084244.